The following is an entry in ClinVar:

NM_020822.3(KCNT1):c.540G>A (p.Gln180=)

Gene: KCNT1 (potassium sodium-activated channel subfamily T member 1; plus strand). Cytogenetic location: 9q34.3.
Variant type: single nucleotide variant.
Coding change: c.540G>A on transcript NM_020822.3 (MANE Select); coding-DNA position 540, G replaced by A.
Protein change: p.Gln180=; no amino-acid change (glutamine 180 retained).
Molecular consequence: synonymous variant.
Genome position (GRCh38, 1-based): chr9:135,755,169, G>A. VCF-style: chr9-135755169-G-A. GRCh37 (hg19) VCF-style: chr9-138647015-G-A.
Other names: c.396G>A, p.Gln132= (NM_001272003.2).
Identifiers: ClinVar variation 2944090 (VCV002944090.3), dbSNP rs1369301873, ClinGen allele CA467688533.

ClinVar aggregate classification (germline): Uncertain significance (1 of 4 stars; one submission).

Conditions:
Autosomal dominant nocturnal frontal lobe epilepsy 5. Also called: Epilepsy, nocturnal frontal lobe, 5; CILIARY DYSKINESIA, PRIMARY, 28, WITHOUT SITUS INVERSUS; CILIARY DYSKINESIA, PRIMARY, 28, WITH SITUS INVERSUS; KCNT1-Related Epilepsy. Identifiers: Orphanet 98784, MedGen C3554306, MONDO:0014002, OMIM 615005.
Developmental and epileptic encephalopathy, 14 (DEE14). Also called: Early infantile epileptic encephalopathy 14. Identifiers: Orphanet 293181, MedGen C3554195, MONDO:0013989, OMIM 614959.

Allele frequency attached by ClinVar (database versions not stated): gnomAD 0.00001.

Submission:

Labcorp Genetics (formerly Invitae), Labcorp
Classification: Uncertain significance for Autosomal dominant nocturnal frontal lobe epilepsy 5; Developmental and epileptic encephalopathy, 14. Last evaluated: 2023-08-20. Review status: criteria provided, single submitter. Criteria: Invitae Variant Classification Sherloc (09022015). Collection method: clinical testing. Allele origin: germline.
Comment: Variants that disrupt the consensus splice site are a relatively common cause of aberrant splicing (PMID: 17576681, 9536098). Algorithms developed to predict the effect of sequence changes on RNA splicing suggest that this variant may create or strengthen a splice site. In summary, the available evidence is currently insufficient to determine the role of this variant in disease. Therefore, it has been classified as a Variant of Uncertain Significance. This variant has not been reported in the literature in individuals affected with KCNT1-related conditions. This variant is not present in population databases (gnomAD no frequency). This sequence change affects codon 180 of the KCNT1 mRNA. It is a 'silent' change, meaning that it does not change the encoded amino acid sequence of the KCNT1 protein. This variant also falls at the last nucleotide of exon 6, which is part of the consensus splice site for this exon.

Literature cited by the submitters: PubMed 17576681; PubMed 9536098.